The following is an entry in ClinVar:

NM_000179.3(MSH6):c.2892T>C (p.Cys964=)

Gene: MSH6 (mutS homolog 6; plus strand). Cytogenetic location: 2p16.3.
Variant type: single nucleotide variant.
Coding change: c.2892T>C on transcript NM_000179.3 (MANE Select); coding-DNA position 2892, T replaced by C.
Protein change: p.Cys964=; no amino-acid change (cysteine 964 retained).
Molecular consequence: synonymous variant.
Genome position (GRCh38, 1-based): chr2:47,800,875, T>C. VCF-style: chr2-47800875-T-C. GRCh37 (hg19) VCF-style: chr2-48028014-T-C.
Other names: c.2502T>C, p.Cys834= (NM_001281492.2); c.1986T>C, p.Cys662= (NM_001281493.2, NM_001281494.2).
Identifiers: ClinVar variation 485872 (VCV000485872.18), dbSNP rs1482228994, ClinGen allele CA426122000.
Genomic context (GRCh38, chr2:47,800,875, plus strand): 5'-AAGAGAAAATGAACAGAGCCTCCTGGAATACCTAGAGAAACAGCGCAACAGAATTGGCTG[T>C]AGGACCATAGTCTATTGGGGGATTGGTAGGAACCGTTACCAGCTGGAAATTCCTGAGAAT-3'
Protein context (NP_000170.1, residues 954-974): YLEKQRNRIG[Cys964=]RTIVYWGIGR

ClinVar aggregate classification (germline): Benign/Likely benign. Review status: criteria provided, multiple submitters, no conflicts (2 of 4 stars). 5 submissions from 5 submitters: Benign (1); Likely benign (4). Last evaluated 2025-01-02.

Conditions:
Hereditary cancer-predisposing syndrome. Also called: Tumor predisposition; Hereditary Cancer Syndrome; Hereditary neoplastic syndrome; Neoplastic Syndromes, Hereditary. Identifiers: Orphanet 140162, MedGen C0027672, MeSH D009386, MONDO:0015356.
Hereditary nonpolyposis colorectal neoplasms. Identifiers: MedGen C0009405, MeSH D003123.
Lynch syndrome. Identifiers: Orphanet 144, MedGen C4552100, MONDO:0005835. Disease mechanism: loss of function.
Lynch syndrome 5 (LYNCH5). Also called: Hereditary non-polyposis colorectal cancer, type 5; Colorectal cancer, hereditary nonpolyposis, type 5. Identifiers: Orphanet 144, MedGen C1833477, MONDO:0013710, OMIM 614350. Disease mechanism: loss of function.

Allele frequency attached by ClinVar (database versions not stated): gnomAD exomes below 0.00001; gnomAD 0.00001.
gnomAD v4.1: 4 of 1,612,984 alleles (0.00025%); no homozygotes.

Submissions (5):

Myriad Genetics, Inc.
Classification: Benign for Lynch syndrome 5. Last evaluated: 2025-01-02. Review status: criteria provided, single submitter. Criteria: Myriad Autosomal Dominant, Autosomal Recessive and X-Linked Classification Criteria (2023). Collection method: clinical testing. Allele origin: unknown.
Comment: This variant is considered benign. This variant is a silent/synonymous amino acid change and it is not expected to impact splicing.

All of Us Research Program, National Institutes of Health
Classification: Likely benign for Lynch syndrome. Last evaluated: 2024-07-20. Review status: criteria provided, single submitter. Criteria: ACMG Guidelines, 2015. Collection method: clinical testing. Allele origin: germline. Inheritance: Autosomal dominant inheritance. Observed: 1 variant allele, 1 heterozygote.
Comment: This study involves interpretation of variants in research participants for the purpose of population health screening. Participant phenotype was not available at the time of variant classification. Additional details can be found in publication PMID: 35346344, PMCID: PMC8962531

Labcorp Genetics (formerly Invitae), Labcorp
Classification: Likely benign for Hereditary nonpolyposis colorectal neoplasms. Last evaluated: 2024-05-27. Review status: criteria provided, single submitter. Criteria: Invitae Variant Classification Sherloc (09022015). Collection method: clinical testing. Allele origin: germline.

Ambry Genetics
Classification: Likely benign for Hereditary cancer-predisposing syndrome. Last evaluated: 2016-09-23. Review status: criteria provided, single submitter. Criteria: Ambry Variant Classification Scheme 2023. Collection method: clinical testing. Allele origin: germline.

Color Diagnostics, LLC DBA Color Health
Classification: Likely benign for Hereditary cancer-predisposing syndrome. Last evaluated: 2016-08-08. Review status: criteria provided, single submitter. Criteria: ACMG Guidelines, 2015. Collection method: clinical testing. Allele origin: germline.